The following is an entry in ClinVar:

ClinVar aggregate classification (germline): Likely benign (0 of 4 stars; one submission).

Conditions:
TNS2-related disorder. Also called: TNS2-related condition.

Allele frequency attached by ClinVar (database versions not stated): gnomAD exomes 0.00001; gnomAD 0.00003; TOPMed 0.00003; ExAC 0.00007; ESP Exome Variant Server 0.00008.

Submission:

PreventionGenetics, part of Exact Sciences
Classification: Likely benign for TNS2-related condition. Last evaluated: 2021-11-04. Review status: no assertion criteria provided. Collection method: clinical testing. Allele origin: germline.
Comment: This variant is classified as likely benign based on ACMG/AMP sequence variant interpretation guidelines (Richards et al. 2015 PMID: 25741868, with internal and published modifications).

NM_170754.4(TNS2):c.2244G>A (p.Pro748=)

Gene: TNS2 (tensin 2; plus strand). Cytogenetic location: 12q13.13.
Variant type: single nucleotide variant.
Coding change: c.2244G>A on transcript NM_170754.4 (MANE Select); coding-DNA position 2244, G replaced by A.
Protein change: p.Pro748=; no amino-acid change (proline 748 retained).
Molecular consequence: synonymous variant.
Genome position (GRCh38, 1-based): chr12:53,059,885, G>A. VCF-style: chr12-53059885-G-A. GRCh37 (hg19) VCF-style: chr12-53453669-G-A.
Other names: c.2244G>A, p.Pro748= (NM_001416202.1); c.2202G>A, p.Pro734= (NM_001416203.1); c.2271G>A, p.Pro757= (NM_001416204.1); c.2175G>A, p.Pro725= (NM_015319.3); c.1872G>A, p.Pro624= (NM_198316.2).
Identifiers: ClinVar variation 3031078 (VCV003031078.2), dbSNP rs368531519, ClinGen allele CA6592562.